The following is an entry in ClinVar:

NM_005876.5(SPEG):c.1622C>T (p.Thr541Ile)

Gene: SPEG (striated muscle enriched protein kinase; plus strand). Cytogenetic location: 2q35.
Variant type: single nucleotide variant.
Coding change: c.1622C>T on transcript NM_005876.5 (MANE Select); coding-DNA position 1622, C replaced by T.
Protein change: p.Thr541Ile; replaces threonine 541 with isoleucine.
Molecular consequence: missense variant.
Genome position (GRCh38, 1-based): chr2:219,448,780, C>T. VCF-style: chr2-219448780-C-T. GRCh37 (hg19) VCF-style: chr2-220313502-C-T.
Other names: short protein forms T541I.
Identifiers: ClinVar variation 1510284 (VCV001510284.24), dbSNP rs929264588, ClinGen allele CA66004756.
Genomic context (GRCh38, chr2:219,448,780, plus strand): 5'-TGCAGCGTGCCCCATCCCCTCGAGAGCCCGGCGAGCCCCCGCTCTTCTCTCGGCCCTCCA[C>T]CCCCAAGACATCGCGGGCCGTGAGCCCCGCCGCCGCCCAGCCGCCCTCTCCGAGCAGCGC-3'
Protein context (NP_005867.3, residues 531-551): GEPPLFSRPS[Thr541Ile]PKTSRAVSPA

ClinVar aggregate classification (germline): Uncertain significance. Review status: criteria provided, multiple submitters, no conflicts (2 of 4 stars). 2 submissions from 2 submitters: Uncertain significance (2). Last evaluated 2026-01-12.

Allele frequency attached by ClinVar (database versions not stated): gnomAD exomes 0.00006.
gnomAD v4.1: 101 of 1,424,430 alleles (0.0071%); highest among the groups gnomAD compares: Non-Finnish European, 0.0085%; no homozygotes.

Submissions (2):

Labcorp Genetics (formerly Invitae), Labcorp
Classification: Uncertain significance. Last evaluated: 2026-01-12. Review status: criteria provided, single submitter. Criteria: Invitae Variant Classification Sherloc (09022015). Collection method: clinical testing. Allele origin: germline.
Comment: This sequence change replaces threonine, which is neutral and polar, with isoleucine, which is neutral and non-polar, at codon 541 of the SPEG protein (p.Thr541Ile). This variant is present in population databases (no rsID available, gnomAD 0.01%). This variant has not been reported in the literature in individuals affected with SPEG-related conditions. ClinVar contains an entry for this variant (Variation ID: 1510284). An algorithm developed to predict the effect of missense changes on protein structure and function outputs the following: PolyPhen-2: "Benign". The isoleucine amino acid residue is found in multiple mammalian species, which suggests that this missense change does not adversely affect protein function. In summary, the available evidence is currently insufficient to determine the role of this variant in disease. Therefore, it has been classified as a Variant of Uncertain Significance.

CeGaT Center for Human Genetics Tuebingen
Classification: Uncertain significance. Last evaluated: 2024-08-01. Review status: criteria provided, single submitter. Criteria: CeGaT Center For Human Genetics Tuebingen Variant Classification Criteria Version 2. Collection method: clinical testing. Allele origin: germline. Affected: yes. Observed: 1 variant allele.
Comment: SPEG: PM2